The following is an entry in ClinVar:

ClinVar aggregate classification (germline): Uncertain significance. Review status: criteria provided, multiple submitters, no conflicts (2 of 4 stars). 2 submissions from 2 submitters: Uncertain significance (2). Last evaluated 2023-07-07.

Conditions:
MGAM-related disorder. Also called: MGAM-related condition.

Allele frequency attached by ClinVar (database versions not stated): ExAC 0.00003; TOPMed 0.00003; gnomAD 0.00005; gnomAD exomes 0.00005; ESP Exome Variant Server 0.00008.
gnomAD v4.1: 87 of 1,613,206 alleles (0.0054%); highest among the groups gnomAD compares: Non-Finnish European, 0.007%; no homozygotes.

Submissions (2):

PreventionGenetics, part of Exact Sciences
Classification: Uncertain significance for MGAM-related condition. Last evaluated: 2023-07-07. Review status: criteria provided, single submitter. Criteria: ACMG Guidelines, 2015. Collection method: clinical testing. Allele origin: germline.
Comment: The MGAM c.2414A>G variant is predicted to result in the amino acid substitution p.Glu805Gly. To our knowledge, this variant has not been reported in the literature. This variant is reported in 0.0055% of alleles in individuals of European (Non-Finnish) descent in gnomAD. At this time, the clinical significance of this variant is uncertain due to the absence of conclusive functional and genetic evidence.

Ambry Genetics
Classification: Uncertain significance. Last evaluated: 2023-01-10. Review status: criteria provided, single submitter. Criteria: Ambry Variant Classification Scheme 2023. Collection method: clinical testing. Allele origin: germline.

NM_001365693.1(MGAM):c.2414A>G (p.Glu805Gly)

Gene: MGAM (maltase-glucoamylase; plus strand). Cytogenetic location: 7q34.
Variant type: single nucleotide variant.
Coding change: c.2414A>G on transcript NM_001365693.1 (MANE Select); coding-DNA position 2414, A replaced by G.
Protein change: p.Glu805Gly; replaces glutamic acid 805 with glycine.
Molecular consequence: missense variant.
Genome position (GRCh38, 1-based): chr7:142,040,762, A>G. VCF-style: chr7-142040762-A-G. GRCh37 (hg19) VCF-style: chr7-141740562-A-G.
Other names: c.2414A>G, p.Glu805Gly (NM_004668.3); short protein forms E805G.
Identifiers: ClinVar variation 2457949 (VCV002457949.3), dbSNP rs374820212, ClinGen allele CA168107013.
Genomic context (GRCh38, chr7:142,040,762, plus strand): 5'-GATTTATCTGCATGCATCAGGGGAGCCAAGTGAGATGGAGGAAGCAAAAAGTCGAGATGG[A>G]ACTTCCTGGAGACAAAATTGGACTTCACCTTCGAGGAGGCTACATCTTCCCCACACAGCA-3'
Protein context (NP_001352622.1, residues 795-815): VRWRKQKVEM[Glu805Gly]LPGDKIGLHL